The following is an entry in ClinVar:

ClinVar aggregate classification (germline): Pathogenic/Likely pathogenic. Review status: criteria provided, multiple submitters, no conflicts (2 of 4 stars). 2 submissions from 2 submitters: Pathogenic (1); Likely pathogenic (1). Last evaluated 2021-10-06.

Conditions:
Hereditary cancer-predisposing syndrome. Also called: Neoplastic Syndromes, Hereditary; Hereditary neoplastic syndrome; Tumor predisposition; Hereditary Cancer Syndrome. Identifiers: Orphanet 140162, MedGen C0027672, MeSH D009386, MONDO:0015356.
Nijmegen breakage syndrome-like disorder (NBSLD). Also called: MICROCEPHALY AND SPONTANEOUS CHROMOSOME INSTABILITY WITHOUT IMMUNODEFICIENCY; NBS-LIKE DISORDER; RAD50 DEFICIENCY. Identifiers: Orphanet 240760, MedGen C2751318, MONDO:0013118, OMIM 613078.

Submissions (2):

Labcorp Genetics (formerly Invitae), Labcorp
Classification: Pathogenic for Hereditary cancer-predisposing syndrome. Last evaluated: 2021-10-06. Review status: criteria provided, single submitter. Criteria: Invitae Variant Classification Sherloc (09022015). Collection method: clinical testing. Allele origin: germline.
Comment: This variant has not been reported in the literature in individuals with RAD50-related conditions. For these reasons, this variant has been classified as Pathogenic. Loss-of-function variants in RAD50 are known to be pathogenic (PMID: 16385572, 19409520). This variant is not present in population databases (ExAC no frequency). This sequence change creates a premature translational stop signal (p.Asp21Glufs*2) in the RAD50 gene. It is expected to result in an absent or disrupted protein product.

Genesis Genomics
Classification: Likely pathogenic for Nijmegen breakage syndrome-like disorder. Review status: criteria provided, single submitter. Criteria: ACMG Guidelines, 2015. Collection method: clinical testing. Allele origin: germline. Affected: yes. Observed: 1 variant allele.

Literature cited by the submitters: PubMed 16385572 (cited by Labcorp Genetics (formerly Invitae), Labcorp); PubMed 19409520 (cited by Labcorp Genetics (formerly Invitae), Labcorp).

NM_005732.4(RAD50):c.62dup (p.Asp21fs)

Gene: RAD50 (RAD50 double strand break repair protein; plus strand). Cytogenetic location: 5q31.1.
Variant type: Duplication.
Coding change: c.62dup on transcript NM_005732.4 (MANE Select); coding-DNA position 62, one base duplicated (A; older notation c.62dupA).
Protein change: p.Asp21fs; shifts the reading frame from aspartic acid 21.
Molecular consequence: frameshift variant.
Genome position (GRCh38, 1-based): chr5:132,557,386, A duplicated. VCF-style (leftmost placement, unchanged base first): chr5-132557385-G-GA. GRCh37 (hg19) VCF-style: chr5-131893077-G-GA.
Other names: short protein forms D21fs.
Identifiers: ClinVar variation 1072155 (VCV001072155.8), dbSNP rs1461558597, ClinGen allele CA804006050.